The following is an entry in ClinVar:

NM_000094.4(COL7A1):c.6130C>T (p.Leu2044Phe)

Gene: COL7A1 (collagen type VII alpha 1 chain; minus strand). Cytogenetic location: 3p21.31.
Variant type: single nucleotide variant.
Coding change: c.6130C>T on transcript NM_000094.4 (MANE Select); coding-DNA position 6130, C replaced by T.
Protein change: p.Leu2044Phe; replaces leucine 2044 with phenylalanine.
Molecular consequence: missense variant.
Genome position (GRCh38, 1-based): chr3:48,575,389, G>A on the plus strand (C>T on the coding strand, the complement: COL7A1 is on the minus strand). VCF-style: chr3-48575389-G-A. GRCh37 (hg19) VCF-style: chr3-48612822-G-A.
Other names: short protein forms L2044F.
Identifiers: ClinVar variation 1686591 (VCV001686591.4), dbSNP rs756037004, ClinGen allele CA2379191.
Genomic context (GRCh38, chr3:48,575,389, plus strand): 5'-CCAGCCTCACCCTCTCTCCTGGCCTTCCTGCCTCTCCCACACCCCCAGCCCTGCCTGGGA[G>A]CCCGGGAATACCAGGCTTTCCAGGCTCCCCGGCAAGGCCGGAAGGCCCGGGGGGGCCCCT-3'
Protein context (NP_000085.1, residues 2034-2054): GEPGKPGIPG[Leu2044Phe]PGRAGGVGEA

ClinVar aggregate classification (germline): Uncertain significance. Review status: criteria provided, multiple submitters, no conflicts (2 of 4 stars). 3 submissions from 3 submitters: Uncertain significance (3). Last evaluated 2025-10-13.

Allele frequency attached by ClinVar (database versions not stated): gnomAD 0.00001; gnomAD exomes below 0.00001 and 0.00001; ExAC 0.00001.
gnomAD v4.1: 6 of 1,610,670 alleles (0.00037%); highest among the groups gnomAD compares: Admixed American, 0.0033%; no homozygotes.

Submissions (3):

Dasa
Classification: Uncertain significance. Last evaluated: 2025-10-13. Review status: criteria provided, single submitter. Criteria: DASA Assertion Criteria. Collection method: clinical testing. Allele origin: germline.
Comment: NM_000094.4(COL7A1):c.6130C>T (p.Leu2044Phe) is a missense variant that results in the substitution of leucine with phenylalanine. This variant is rare in population databases. The currently available literature and clinical evidence are not sufficient to establish a definitive association between this variant and the reported condition. Therefore, this variant is classified as a variant of uncertain significance.

Labcorp Genetics (formerly Invitae), Labcorp
Classification: Uncertain significance. Last evaluated: 2025-05-16. Review status: criteria provided, single submitter. Criteria: Invitae Variant Classification Sherloc (09022015). Collection method: clinical testing. Allele origin: germline.
Comment: This sequence change replaces leucine, which is neutral and non-polar, with phenylalanine, which is neutral and non-polar, at codon 2044 of the COL7A1 protein (p.Leu2044Phe). This variant is present in population databases (rs756037004, gnomAD 0.003%). This variant has not been reported in the literature in individuals affected with COL7A1-related conditions. ClinVar contains an entry for this variant (Variation ID: 1686591). Invitae Evidence Modeling of protein sequence and biophysical properties (such as structural, functional, and spatial information, amino acid conservation, physicochemical variation, residue mobility, and thermodynamic stability) indicates that this missense variant is not expected to disrupt COL7A1 protein function with a negative predictive value of 95%. In summary, the available evidence is currently insufficient to determine the role of this variant in disease. Therefore, it has been classified as a Variant of Uncertain Significance.

Mendelics
Classification: Uncertain significance. Last evaluated: 2022-05-04. Review status: criteria provided, single submitter. Criteria: Mendelics Assertion Criteria 2019. Collection method: clinical testing. Allele origin: germline.